The following is an entry in ClinVar:

ClinVar aggregate classification (germline): Pathogenic (1 of 4 stars; one submission).

Submission:

Labcorp Genetics (formerly Invitae), Labcorp
Classification: Pathogenic. Last evaluated: 2023-05-19. Review status: criteria provided, single submitter. Criteria: Invitae Variant Classification Sherloc (09022015). Collection method: clinical testing. Allele origin: unknown.
Comment: For these reasons, this variant has been classified as Pathogenic. This variant disrupts a region of the DGUOK protein in which other variant(s) (p.His226Arg) have been determined to be pathogenic (PMID: 18205204, 22980518). This suggests that this is a clinically significant region of the protein, and that variants that disrupt it are likely to be disease-causing. This variant has not been reported in the literature in individuals affected with DGUOK-related conditions. This variant is a gross deletion of the genomic region encompassing exon(s) 5-7 of the DGUOK gene, which includes the termination codon. This deletion extends beyond the assayed region for this gene and therefore may encompass additional genes. While this deletion is not anticipated to lead to nonsense mediated decay, it is expected to alter mRNA translation or result in a truncated protein product.

Literature cited by the submitters: PubMed 18205204; PubMed 22980518.

NC_000002.11:g.(?_74184232)_(74185863_?)del

Gene: DGUOK (deoxyguanosine kinase; plus strand). Cytogenetic location: 2p13.1.
Variant type: Deletion.
Identifiers: ClinVar variation 3247582 (VCV003247582.1).